The following is an entry in ClinVar:

ClinVar aggregate classification (germline): Uncertain significance (1 of 4 stars; one submission).

Conditions:
Hypertrophic cardiomyopathy 11. Also called: ACTC1-Related Familial Hypertrophic Cardiomyopathy. Identifiers: MedGen C2677506, MONDO:0012799, OMIM 612098.
Atrial septal defect 5 (ASD5). Identifiers: Orphanet 1478, MedGen C2748552, MONDO:0013011, OMIM 612794.
Dilated cardiomyopathy 1R (CMD1R). Identifiers: Orphanet 154, Orphanet 54260, MedGen C3150681, MONDO:0013261, OMIM 613424.

Submission:

Labcorp Genetics (formerly Invitae), Labcorp
Classification: Uncertain significance for Dilated cardiomyopathy 1R; Hypertrophic cardiomyopathy 11; Atrial septal defect 5. Last evaluated: 2024-09-10. Review status: criteria provided, single submitter. Criteria: Invitae Variant Classification Sherloc (09022015). Collection method: clinical testing. Allele origin: germline.
Comment: This sequence change creates a premature translational stop signal (p.Asp224Glyfs*3) in the ACTC1 gene. It is expected to result in an absent or disrupted protein product. However, the current clinical and genetic evidence is not sufficient to establish whether loss-of-function variants in ACTC1 cause disease. This variant is not present in population databases (gnomAD no frequency). This variant has not been reported in the literature in individuals affected with ACTC1-related conditions. In summary, the available evidence is currently insufficient to determine the role of this variant in disease. Therefore, it has been classified as a Variant of Uncertain Significance.

NM_005159.5(ACTC1):c.668dup (p.Asp224fs)

Genes: ACTC1 (actin alpha cardiac muscle 1; minus strand), GJD2-DT (GJD2 divergent transcript; plus strand). Cytogenetic location: 15q14.
Variant type: Duplication.
Coding change: c.668dup on transcript NM_005159.5 (MANE Select); coding-DNA position 668, one base duplicated (T; older notation c.668dupT).
Protein change: p.Asp224fs; shifts the reading frame from aspartic acid 224.
Molecular consequence: frameshift variant.
Genome position (GRCh38, 1-based): chr15:34,792,230, A duplicated on the plus strand (T on the coding strand, the reverse complement: ACTC1 is on the minus strand). VCF-style (leftmost placement, unchanged base first): chr15-34792229-C-CA. GRCh37 (hg19) VCF-style: chr15-35084430-C-CA.
Other names: c.668dup, p.Asp224fs (NM_001406482.1, NM_001406483.1); c.533dup, p.Asp179fs (NM_001406484.1); c.227dup, p.Asp77fs (NM_001406485.1); short protein forms D179fs, D224fs, D77fs.
Identifiers: ClinVar variation 3748104 (VCV003748104.2).